The following is an entry in ClinVar:

ClinVar aggregate classification (germline): Uncertain significance (1 of 4 stars; one submission).

Conditions:
Deficiency of ferroxidase (ACEP). Also called: Deficiency of ceruloplasmin; NEURODEGENERATION WITH BRAIN IRON ACCUMULATION 10; Ceruloplasmin deficiency; Familial apoceruloplasmin deficiency; Hereditary ceruloplasmin deficiency; Aceruloplasminemia. Identifiers: Orphanet 48818, MedGen C0878682, MONDO:0011426, OMIM 604290, HP:0025498.

Allele frequency attached by ClinVar (database versions not stated): gnomAD exomes below 0.00001; TOPMed below 0.00001.
gnomAD v4.1: 8 of 1,613,990 alleles (0.0005%); highest among the groups gnomAD compares: South Asian, 0.0044%; no homozygotes.

Submission:

Labcorp Genetics (formerly Invitae), Labcorp
Classification: Uncertain significance for Deficiency of ferroxidase. Last evaluated: 2024-08-05. Review status: criteria provided, single submitter. Criteria: Invitae Variant Classification Sherloc (09022015). Collection method: clinical testing. Allele origin: germline.
Comment: This sequence change replaces proline, which is neutral and non-polar, with leucine, which is neutral and non-polar, at codon 136 of the CP protein (p.Pro136Leu). This variant is present in population databases (no rsID available, gnomAD 0.0009%). This variant has not been reported in the literature in individuals affected with CP-related conditions. ClinVar contains an entry for this variant (Variation ID: 568696). Advanced modeling of protein sequence and biophysical properties (such as structural, functional, and spatial information, amino acid conservation, physicochemical variation, residue mobility, and thermodynamic stability) performed at Invitae indicates that this missense variant is not expected to disrupt CP protein function with a negative predictive value of 80%. In summary, the available evidence is currently insufficient to determine the role of this variant in disease. Therefore, it has been classified as a Variant of Uncertain Significance.

NM_000096.4(CP):c.407C>T (p.Pro136Leu)

Gene: CP (ceruloplasmin; minus strand). Cytogenetic location: 3q25.1.
Variant type: single nucleotide variant.
Coding change: c.407C>T on transcript NM_000096.4 (MANE Select); coding-DNA position 407, C replaced by T.
Protein change: p.Pro136Leu; replaces proline 136 with leucine.
Molecular consequence: missense variant. On other transcripts: non-coding transcript variant (1).
Genome position (GRCh38, 1-based): chr3:149,210,367, G>A on the plus strand (C>T on the coding strand, the complement: CP is on the minus strand). VCF-style: chr3-149210367-G-A. GRCh37 (hg19) VCF-style: chr3-148928154-G-A.
Other names: short protein forms P136L.
Identifiers: ClinVar variation 568696 (VCV000568696.8), dbSNP rs878959339, ClinGen allele CA85549536.